The following is an entry in ClinVar:

NM_004006.3(DMD):c.4897G>T (p.Glu1633Ter)

Gene: DMD (dystrophin; minus strand). Cytogenetic location: Xp21.1.
Variant type: single nucleotide variant.
Coding change: c.4897G>T on transcript NM_004006.3 (MANE Select); coding-DNA position 4897, G replaced by T.
Protein change: p.Glu1633Ter; replaces glutamic acid 1633 with a stop codon.
Molecular consequence: nonsense.
Genome position (GRCh38, 1-based): chrX:32,365,148, C>A on the plus strand (G>T on the coding strand, the complement: DMD is on the minus strand). VCF-style: chrX-32365148-C-A. GRCh37 (hg19) VCF-style: chrX-32383265-C-A.
Other names: c.4873G>T, p.Glu1625Ter (NM_000109.4); c.4885G>T, p.Glu1629Ter (NM_004009.3); c.4528G>T, p.Glu1510Ter (NM_004010.3); c.874G>T, p.Glu292Ter (NM_004011.4); c.865G>T, p.Glu289Ter (NM_004012.4); short protein forms E1625*, E1633*, E289*, E292*, E1510*, E1629*.
Identifiers: ClinVar variation 954964 (VCV000954964.9), dbSNP rs370800101, ClinGen allele CA412672324.

ClinVar aggregate classification (germline): Pathogenic/Likely pathogenic. Review status: criteria provided, multiple submitters, no conflicts (2 of 4 stars). 2 submissions from 2 submitters: Pathogenic (1); Likely pathogenic (1). Last evaluated 2019-10-21.

Conditions:
DMD-related disorder. Also called: DMD-related condition.
Duchenne muscular dystrophy (DMD). Also called: Duchenne Muscular Dystrophy (DMD); MUSCULAR DYSTROPHY, PSEUDOHYPERTROPHIC PROGRESSIVE, DUCHENNE TYPE. Identifiers: Orphanet 98896, MedGen C0013264, MONDO:0010679, OMIM 310200.

Submissions (2):

Labcorp Genetics (formerly Invitae), Labcorp
Classification: Pathogenic for Duchenne muscular dystrophy. Last evaluated: 2019-10-21. Review status: criteria provided, single submitter. Criteria: Invitae Variant Classification Sherloc (09022015). Collection method: clinical testing. Allele origin: germline.
Comment: This variant has not been reported in the literature in individuals with DMD-related conditions. This sequence change creates a premature translational stop signal (p.Glu1633*) in the DMD gene. It is expected to result in an absent or disrupted protein product. This variant is not present in population databases (ExAC no frequency). Loss-of-function variants in DMD are known to be pathogenic (PMID: 16770791, 25007885). For these reasons, this variant has been classified as Pathogenic.

Blueprint Genetics
Classification: Likely pathogenic for DMD-related disorders. Last evaluated: 2017-11-21. Review status: criteria provided, single submitter. Criteria: ACMG Guidelines, 2015. Collection method: clinical testing. Allele origin: germline. Affected: yes. Observed: 1 variant allele.

Literature cited by the submitters: PubMed 16770791 (cited by Labcorp Genetics (formerly Invitae), Labcorp); PubMed 25007885 (cited by Labcorp Genetics (formerly Invitae), Labcorp).